The following is an entry in ClinVar:

ClinVar aggregate classification (germline): Benign (1 of 4 stars; one submission).

Conditions:
Xeroderma pigmentosum variant type. Also called: POLH-Related Xeroderma Pigmentosum; PHOTOSENSITIVITY WITH DEFECTIVE DNA SYNTHESIS; XERODERMA PIGMENTOSUM WITH NORMAL DNA REPAIR RATES. Identifiers: Orphanet 90342, MedGen C1848410, MONDO:0010214, OMIM 278750.

Allele frequency attached by ClinVar (database versions not stated): gnomAD 0.01249 and 0.01329; TOPMed 0.01458; 1000 Genomes Project 30x 0.02186; 1000 Genomes Project 0.02316.

Submission:

Illumina Laboratory Services, Illumina
Classification: Benign for Xeroderma pigmentosum variant type. Last evaluated: 2018-01-12. Review status: criteria provided, single submitter. Criteria: ICSL Variant Classification Criteria 13 December 2019. Collection method: clinical testing. Allele origin: germline.
Comment: This variant was observed in the ICSL laboratory as part of a predisposition screen in an ostensibly healthy population. It had not been previously curated by ICSL or reported in the Human Gene Mutation Database (HGMD: prior to June 1st, 2018), and was therefore a candidate for classification through an automated scoring system. Utilizing variant allele frequency, disease prevalence and penetrance estimates, and inheritance mode, an automated score was calculated to assess if this variant is too frequent to cause the disease. Based on the score and internal cut-off values, a variant classified as benign is not then subjected to further curation. The score for this variant resulted in a classification of benign for this disease.

NM_006502.3(POLH):c.*1179G>A

Gene: POLH (DNA polymerase eta; plus strand). Cytogenetic location: 6p21.1.
Variant type: single nucleotide variant.
Coding change: c.*1179G>A on transcript NM_006502.3 (MANE Select); 1179 bases downstream of the stop codon, G replaced by A.
Molecular consequence: 3 prime UTR variant.
Genome position (GRCh38, 1-based): chr6:43,615,736, G>A. VCF-style: chr6-43615736-G-A. GRCh37 (hg19) VCF-style: chr6-43583473-G-A.
Other names: c.*1179G>A (NM_001291969.2); c.*2005G>A (NM_001291970.2).
Identifiers: ClinVar variation 356938 (VCV000356938.7), dbSNP rs9333561, ClinGen allele CA10626953.